The following is an entry in ClinVar:

ClinVar aggregate classification (germline): Conflicting classifications of pathogenicity. Review status: criteria provided, conflicting classifications (1 of 4 stars). 4 submissions from 4 submitters: Uncertain significance (1); Likely benign (1). 2 of the submissions do not count toward it. Last evaluated 2025-06-02.

Conditions:
Cardiomyopathy (CMYO). Also called: Cardiomyopathies. Identifiers: Orphanet 167848, MedGen C0878544, MONDO:0004994, HP:0001638. Inheritance: Various modes of inheritance.

Allele frequency attached by ClinVar (database versions not stated): gnomAD 0.00004 and 0.00005; TOPMed 0.00005.
gnomAD v4.1: 8 of 1,613,322 alleles (0.0005%); highest among the groups gnomAD compares: African/African-American, 0.011%; no homozygotes.

Submissions (4):

GeneDx
Classification: Uncertain significance. Last evaluated: 2025-06-02. Review status: criteria provided, single submitter. Criteria: GeneDx Variant Classification Process June 2021. Collection method: clinical testing. Allele origin: germline. Affected: yes.
Comment: Not observed at significant frequency in large population cohorts (gnomAD); Missense variant in a gene in which most reported pathogenic variants are truncating/loss of function; Has not been previously published as pathogenic or benign to our knowledge

Center for Advanced Laboratory Medicine, UC San Diego Health, University of California San Diego
Classification: Likely benign for Cardiomyopathy. Last evaluated: 2019-06-03. Review status: criteria provided, single submitter. Criteria: ACMG Guidelines, 2015. Collection method: clinical testing. Allele origin: germline. Affected: yes. Observed: 1 variant allele.

Clinical Genetics, Academic Medical Center
Classification: Uncertain significance. Review status: no assertion criteria provided. Collection method: clinical testing. Allele origin: germline. Affected: yes. Study: VKGL Data-share Consensus. Not counted in ClinVar's aggregate classification.

Genome Diagnostics Laboratory, University Medical Center Utrecht
Classification: Uncertain significance. Review status: no assertion criteria provided. Collection method: clinical testing. Allele origin: germline. Affected: yes. Study: VKGL Data-share Consensus. Not counted in ClinVar's aggregate classification.

NM_001267550.2(TTN):c.59456C>T (p.Thr19819Ile)

Genes: TTN (titin; minus strand), TTN-AS1 (TTN antisense RNA 1; plus strand), LOC126806424 (CDK7 strongly-dependent group 2 enhancer GRCh37_chr2:179456337-179457536; plus strand). Cytogenetic location: 2q31.2.
Variant type: single nucleotide variant.
Coding change: c.59456C>T on transcript NM_001267550.2 (MANE Select); coding-DNA position 59456, C replaced by T.
Protein change: p.Thr19819Ile; replaces threonine 19819 with isoleucine.
Molecular consequence: missense variant.
Genome position (GRCh38, 1-based): chr2:178,592,549, G>A on the plus strand (C>T on the coding strand, the complement: TTN is on the minus strand). VCF-style: chr2-178592549-G-A. GRCh37 (hg19) VCF-style: chr2-179457276-G-A.
Other names: c.59456C>T (NM_001267550.1); c.54533C>T, p.Thr18178Ile (NM_001256850.1); c.32261C>T, p.Thr10754Ile (NM_003319.4); c.51752C>T, p.Thr17251Ile (NM_133378.4); c.32636C>T, p.Thr10879Ile (NM_133432.3); c.32837C>T, p.Thr10946Ile (NM_133437.4); short protein forms T10946I, T17251I, T19819I, T10754I, T10879I, T18178I.
Identifiers: ClinVar variation 691744 (VCV000691744.4), dbSNP rs758287054, ClinGen allele CA1992661.
Genomic context (GRCh38, chr2:178,592,549, plus strand): 5'-CCAACTGGAGTCACATCAATTCTTGCTTTAGTTGGAGCATCTCTGTCTTCTTTTTTCCAA[G>A]TTACTTTTGGGAATGGCACTCCTTTGATGATGGCACTAAGTCTTAGAGTATCACCAACTT-3'
Protein context (NP_001254479.2, residues 19809-19829): IIKGVPFPKV[Thr19819Ile]WKKEDRDAPT